The following is an entry in ClinVar:

ClinVar aggregate classification (germline): Benign (0 of 4 stars; one submission).

Conditions:
PIWIL1-related disorder. Also called: PIWIL1-related condition.

Allele frequency attached by ClinVar (database versions not stated): gnomAD exomes 0.16185; ExAC 0.16469; TOPMed 0.16750; gnomAD 0.17175; 1000 Genomes Project 30x 0.17958; ESP Exome Variant Server 0.18092; 1000 Genomes Project 0.18191.
gnomAD v4.1: 260,717 of 1,600,438 alleles (16%); highest among the groups gnomAD compares: South Asian, 23%; 22,121 homozygotes.

Submission:

PreventionGenetics, part of Exact Sciences
Classification: Benign for PIWIL1-related condition. Last evaluated: 2019-11-11. Review status: no assertion criteria provided. Collection method: clinical testing. Allele origin: germline.
Comment: This variant is classified as benign based on ACMG/AMP sequence variant interpretation guidelines (Richards et al. 2015 PMID: 25741868, with internal and published modifications).

NM_004764.5(PIWIL1):c.317-9C>T

Gene: PIWIL1 (piwi like RNA-mediated gene silencing 1; plus strand). Cytogenetic location: 12q24.33.
Variant type: single nucleotide variant.
Coding change: c.317-9C>T on transcript NM_004764.5 (MANE Select); 9 bases into the intron before coding-DNA position 317, C replaced by T.
Molecular consequence: intron variant.
Genome position (GRCh38, 1-based): chr12:130,346,361, C>T. VCF-style: chr12-130346361-C-T. GRCh37 (hg19) VCF-style: chr12-130830906-C-T.
Other names: c.317-9C>T (NM_001190971.2).
Identifiers: ClinVar variation 3060310 (VCV003060310.2), dbSNP rs11060836, ClinGen allele CA6876958.
Genomic context (GRCh38, chr12:130,346,361, plus strand): 5'-ATGGTAGGAAAGATTTCAAGGAAAAATAAACTTGATATTTTGTTAATTGACTATAACTTC[C>T]TTTTCCAGGTTCTTCAGGCATTATAGTAAGGTTAAGCACTAACCATTTCCGGCTGACATC-3'